The following is an entry in ClinVar:

NM_001046.3(SLC12A2):c.288GGC[10] (p.Ala105_Ala107dup)

Genes: SLC12A2 (solute carrier family 12 member 2; plus strand), LOC129994526 (ATAC-STARR-seq lymphoblastoid silent region 16295; plus strand). Cytogenetic location: 5q23.3.
Variant type: Microsatellite.
Coding change: c.288GGC[10] on transcript NM_001046.3 (MANE Select); ten copies in a row of the 3-base unit GGC starting at c.288; the reference has seven copies in a row; three copies, 9 bases duplicated.
Protein change: p.Ala105_Ala107dup.
Molecular consequence: inframe insertion. On other transcripts: non-coding transcript variant (1).
Genome position (GRCh38, 1-based): chr5:128,084,254-128,084,262, GGCGGCGGC duplicated; duplicating any 9 consecutive bases within chr5:128,084,240-128,084,262 gives the same sequence; the position shown is the placement nearest the transcript's 3' end. VCF-style (leftmost placement, unchanged base first): chr5-128084239-T-TGCGGCGGCG. GRCh37 (hg19) VCF-style: chr5-127419931-T-TGCGGCGGCG.
Other names: c.288GGC[10], p.Ala105_Ala107dup (NM_001256461.2); c.300_308dup9 (NM_001046.2).
Identifiers: ClinVar variation 1385353 (VCV001385353.9), dbSNP rs746633185, ClinGen allele CA126980336.

ClinVar aggregate classification (germline): Conflicting classifications of pathogenicity. Review status: criteria provided, conflicting classifications (1 of 4 stars). 4 submissions from 4 submitters: Uncertain significance (3); Likely benign (1). Last evaluated 2026-01-05.

Conditions:
SLC12A2-related disorder. Also called: SLC12A2-related condition; SLC12A2-related disorders.
Hearing loss, autosomal dominant 78. Also called: DEAFNESS, AUTOSOMAL DOMINANT 78. Identifiers: MedGen C5436768, MONDO:0033665, OMIM 619081.
Delpire-McNeill syndrome. Also called: SLC12A2-related autosomal dominant infantile-developmental delay-intellectual disability-sensorineural deafness syndrome. Identifiers: Orphanet 633024, MedGen C5436771, MONDO:0033667, OMIM 619083.
Kilquist syndrome (KILQS). Also called: SLC12A2-related autosomal recessive neonatal-developmental delay-intellectual disability-feeding difficulty-sensorineural deafness syndrome. Identifiers: Orphanet 633021, MedGen C5436756, MONDO:0033664, OMIM 619080.

Submissions (4):

Labcorp Genetics (formerly Invitae), Labcorp
Classification: Uncertain significance. Last evaluated: 2026-01-05. Review status: criteria provided, single submitter. Criteria: Invitae Variant Classification Sherloc (09022015). Collection method: clinical testing. Allele origin: germline.
Comment: This variant, c.300_308dup, results in the insertion of 3 amino acid(s) of the SLC12A2 protein (p.Ala105_Ala107dup), but otherwise preserves the integrity of the reading frame. This variant is not present in population databases (gnomAD no frequency). This variant has not been reported in the literature in individuals affected with SLC12A2-related conditions. ClinVar contains an entry for this variant (Variation ID: 1385353). Experimental studies and prediction algorithms are not available or were not evaluated, and the functional significance of this variant is currently unknown. In summary, the available evidence is currently insufficient to determine the role of this variant in disease. Therefore, it has been classified as a Variant of Uncertain Significance.

PreventionGenetics, part of Exact Sciences
Classification: Uncertain significance for SLC12A2-related condition. Last evaluated: 2025-12-22. Review status: criteria provided, single submitter. Criteria: ACMG Guidelines, 2015. Collection method: clinical testing. Allele origin: germline.
Comment: The SLC12A2 c.300_308dup9 variant is predicted to result in an in-frame duplication (p.Ala105_Ala107dup). To our knowledge, this variant has not been reported in the literature or in a large population database (gnomAD), indicating this variant is rare. At this time, the clinical significance of this variant is uncertain due to the absence of conclusive functional and genetic evidence.

Laboratory of Genetics, Children's Clinical University Hospital Latvia
Classification: Likely benign. Last evaluated: 2025-02-16. Review status: criteria provided, single submitter. Criteria: ACMG Guidelines, 2015. Collection method: clinical testing. Allele origin: germline. Affected: yes.

Fulgent Genetics
Classification: Uncertain significance for Kilquist syndrome; Hearing loss, autosomal dominant 78; Delpire-McNeill syndrome. Last evaluated: 2021-07-19. Review status: criteria provided, single submitter. Criteria: ACMG Guidelines, 2015. Collection method: clinical testing. Allele origin: unknown.